The following is an entry in ClinVar:

ClinVar aggregate classification (germline): Pathogenic. Review status: criteria provided, multiple submitters, no conflicts (2 of 4 stars). 9 submissions from 9 submitters: Pathogenic (7). 2 of the submissions do not count toward it. Last evaluated 2025-09-17.

Conditions:
Monogenic diabetes. Identifiers: Orphanet 183625, MedGen C3888631, MONDO:0015967.
Type 2 diabetes mellitus. Also called: Type II diabetes mellitus. Identifiers: MedGen C0011860, MeSH D003924, MONDO:0005148, OMIM 125853, HP:0005978.
Hereditary hyperinsulinism.
Hyperinsulinemic hypoglycemia, familial, 1 (HHF1). Also called: Persistent hyperinsulinemic hypoglycemia of infancy; Persistent Hyperinsulinemia Hypoglycemia of Infancy; HYPERINSULINISM, FAMILIAL, WITH PANCREATIC NESIDIOBLASTOSIS; HYPOGLYCEMIA, HYPERINSULINEMIC, OF INFANCY; NESIDIOBLASTOSIS OF PANCREAS. Identifiers: Orphanet 276575, Orphanet 276598, MedGen C2931832, MONDO:0009734, OMIM 256450.

Allele frequency attached by ClinVar (database versions not stated): gnomAD 0.00001; gnomAD exomes 0.00001; TOPMed 0.00001; ExAC 0.00002.
gnomAD v4.1: 13 of 1,613,948 alleles (0.00081%); highest among the groups gnomAD compares: East Asian, 0.0045%; no homozygotes.

Submissions (9):

Natera, Inc.
Classification: Pathogenic for Hereditary hyperinsulinism. Last evaluated: 2025-09-17. Review status: criteria provided, single submitter. Criteria: Natera Variant Classification Schema (03/2026). Collection method: clinical testing. Allele origin: germline.
Comment: The c.2992C>T variant in ABCC8 is a nonsense variant predicted to introduce a stop codon at amino acid 998. This variant is expected to result in nonsense mediated decay, truncation, or a dysfunctional protein product. This variant is rare in the general population with a frequency below the threshold expected for the associated phenotype(s). This variant has been observed in one or more individuals affected with the associated recessive disease, as either homozygous or compound heterozygous with a second variant (PMID: 33240318). Given the available evidence, this variant is classified as Pathogenic.

Labcorp Genetics (formerly Invitae), Labcorp
Classification: Pathogenic. Last evaluated: 2025-06-09. Review status: criteria provided, single submitter. Criteria: Invitae Variant Classification Sherloc (09022015). Collection method: clinical testing. Allele origin: germline.
Comment: This sequence change creates a premature translational stop signal (p.Arg998*) in the ABCC8 gene. It is expected to result in an absent or disrupted protein product. Loss-of-function variants in ABCC8 are known to be pathogenic (PMID: 20685672, 23345197). The frequency data for this variant in the population databases is considered unreliable, as metrics indicate poor data quality at this position in the gnomAD database. This premature translational stop signal has been observed in individual(s) with autosomal recessive diffuse or focal hyperinsulinism (PMID: 14692646, 16357843, 17236890, 20943781). In at least one individual the data is consistent with being in trans (on the opposite chromosome) from a pathogenic variant. This variant is also known as c.2995C>T, p.Arg999*. ClinVar contains an entry for this variant (Variation ID: 434053). For these reasons, this variant has been classified as Pathogenic.

Baylor Genetics
Classification: Pathogenic for Type 2 diabetes mellitus. Last evaluated: 2024-03-25. Review status: criteria provided, single submitter. Criteria: ACMG Guidelines, 2015. Collection method: clinical testing. Allele origin: unknown.

GeneDx
Classification: Pathogenic. Last evaluated: 2023-08-23. Review status: criteria provided, single submitter. Criteria: GeneDx Variant Classification Process June 2021. Collection method: clinical testing. Allele origin: germline.
Comment: Nonsense variant predicted to result in protein truncation or nonsense mediated decay in a gene for which loss-of-function is a known mechanism of disease; Not observed at significant frequency in large population cohorts (gnomAD); This variant is associated with the following publications: (PMID: 20943781, 25525159, 14692646, 31028937, 23275527, 14715863, 16357843, 15562009, 28701683, 17236890, 31980526, 36208030)

Revvity Omics, Revvity
Classification: Pathogenic. Last evaluated: 2022-10-04. Review status: criteria provided, single submitter. Criteria: ACMG Guidelines, 2015. Collection method: clinical testing. Allele origin: germline.

Genetic Services Laboratory, University of Chicago
Classification: Pathogenic for Hyperinsulinemic hypoglycemia, familial, 1. Last evaluated: 2015-11-25. Review status: criteria provided, single submitter. Criteria: ACMG Guidelines, 2015. Collection method: clinical testing. Allele origin: germline. Affected: yes.

Athena Diagnostics
Classification: Pathogenic. Last evaluated: 2015-09-10. Review status: criteria provided, single submitter. Criteria: Athena Diagnostics Criteria. Collection method: clinical testing. Allele origin: germline.

Counsyl
Classification: Pathogenic for Hyperinsulinemic hypoglycemia, familial, 1. Last evaluated: 2018-12-21. Review status: no assertion criteria provided. Collection method: clinical testing. Allele origin: unknown. Not counted in ClinVar's aggregate classification.

Personalized Diabetes Medicine Program, University of Maryland School of Medicine
Classification: Uncertain significance for Monogenic diabetes. Last evaluated: 2017-03-03. Review status: flagged submission. Criteria: ACMG Guidelines, 2015. Collection method: research. Allele origin: unknown. Observed: 1 variant allele, 1 heterozygote. Study: Personalized Diabetes Medicine Program. Not counted in ClinVar's aggregate classification.
Comment: ACMG Criteria:PP3 (2 predictors), BP4 (2 predictors), PVS1 (stopgain)
ClinVar note: Reason: Outlier claim with insufficient supporting evidence

Literature cited by the submitters: PubMed 33240318 (cited by Natera, Inc.); PubMed 20685672 (cited by Labcorp Genetics (formerly Invitae), Labcorp); PubMed 23345197 (cited by Labcorp Genetics (formerly Invitae), Labcorp); PubMed 14692646 (cited by Labcorp Genetics (formerly Invitae), Labcorp and Athena Diagnostics); PubMed 16357843 (cited by Labcorp Genetics (formerly Invitae), Labcorp and Athena Diagnostics); PubMed 17236890 (cited by Labcorp Genetics (formerly Invitae), Labcorp and Athena Diagnostics); PubMed 20943781 (cited by 3 submitters); PubMed 14715863 (cited by Athena Diagnostics); PubMed 15562009 (cited by Athena Diagnostics); PubMed 25525159 (cited by Counsyl); PubMed 23275527 (cited by Counsyl).

NM_000352.6(ABCC8):c.2992C>T (p.Arg998Ter)

Gene: ABCC8 (ATP binding cassette subfamily C member 8; minus strand). Cytogenetic location: 11p15.1.
Variant type: single nucleotide variant.
Coding change: c.2992C>T on transcript NM_000352.6 (MANE Select); coding-DNA position 2992, C replaced by T.
Protein change: p.Arg998Ter; replaces arginine 998 with a stop codon.
Molecular consequence: nonsense. On other transcripts: non-coding transcript variant (1).
Genome position (GRCh38, 1-based): chr11:17,407,058, G>A on the plus strand (C>T on the coding strand, the complement: ABCC8 is on the minus strand). VCF-style: chr11-17407058-G-A. GRCh37 (hg19) VCF-style: chr11-17428605-G-A.
Other names: c.2995C>T, p.Arg999Ter (NM_001287174.3); c.3058C>T, p.Arg1020Ter (NM_001351295.2); c.2992C>T, p.Arg998Ter (NM_001351296.2); c.2989C>T, p.Arg997Ter (NM_001351297.2); short protein forms R998*, R999*, R1020*, R997*.
Identifiers: ClinVar variation 434053 (VCV000434053.29), dbSNP rs769518471, ClinGen allele CA5902951.